The following is an entry in ClinVar:

NM_006201.5(CDK16):c.193T>C (p.Ser65Pro)

Gene: CDK16 (cyclin dependent kinase 16; plus strand). Cytogenetic location: Xp11.3.
Variant type: single nucleotide variant.
Coding change: c.193T>C on transcript NM_006201.5 (MANE Select); coding-DNA position 193, T replaced by C.
Protein change: p.Ser65Pro; replaces serine 65 with proline.
Molecular consequence: missense variant.
Genome position (GRCh38, 1-based): chrX:47,223,750, T>C. VCF-style: chrX-47223750-T-C. GRCh37 (hg19) VCF-style: chrX-47083149-T-C.
Other names: c.415T>C, p.Ser139Pro (NM_001170460.2); c.211T>C, p.Ser71Pro (NM_033018.4); short protein forms S139P, S65P, S71P.
Identifiers: ClinVar variation 3345241 (VCV003345241.1).

ClinVar aggregate classification (germline): Uncertain significance (0 of 4 stars; one submission).

Conditions:
CDK16-related disorder. Also called: CDK16-related condition.

Submission:

PreventionGenetics, part of Exact Sciences
Classification: Uncertain significance for CDK16-related condition. Last evaluated: 2024-09-12. Review status: no assertion criteria provided. Collection method: clinical testing. Allele origin: germline.
Comment: The CDK16 c.415T>C variant is predicted to result in the amino acid substitution p.Ser139Pro. To our knowledge, this variant has not been reported in the literature or in gnomAD, indicating this variant is rare. At this time, the clinical significance of this variant is uncertain due to the absence of conclusive functional and genetic evidence.